The following is an entry in ClinVar:

ClinVar aggregate classification (germline): Uncertain significance. Review status: criteria provided, multiple submitters, no conflicts (2 of 4 stars). 3 submissions from 3 submitters: Uncertain significance (3). Last evaluated 2025-09-10.

Conditions:
Hereditary spastic paraplegia 48. Also called: Spastic paraplegia 48; SPASTIC PARAPLEGIA 48, AUTOSOMAL RECESSIVE. Identifiers: Orphanet 306511, MedGen C3150901, MONDO:0013342, OMIM 613647.
Inborn genetic diseases. Identifiers: MedGen C0950123, MeSH D030342.

Allele frequency attached by ClinVar (database versions not stated): gnomAD exomes 0.00001; gnomAD 0.00002 and 0.00003; TOPMed 0.00002.

Submissions (3):

Ambry Genetics
Classification: Uncertain significance for Inborn genetic diseases. Last evaluated: 2025-09-10. Review status: criteria provided, single submitter. Criteria: Ambry Variant Classification Scheme 2023. Collection method: clinical testing. Allele origin: germline.

Labcorp Genetics (formerly Invitae), Labcorp
Classification: Uncertain significance for Hereditary spastic paraplegia 48. Last evaluated: 2025-05-19. Review status: criteria provided, single submitter. Criteria: Invitae Variant Classification Sherloc (09022015). Collection method: clinical testing. Allele origin: germline.
Comment: This sequence change replaces tyrosine, which is neutral and polar, with histidine, which is basic and polar, at codon 186 of the AP5Z1 protein (p.Tyr186His). This variant is present in population databases (no rsID available, gnomAD 0.006%). This variant has not been reported in the literature in individuals affected with AP5Z1-related conditions. ClinVar contains an entry for this variant (Variation ID: 1312391). Invitae Evidence Modeling of protein sequence and biophysical properties (such as structural, functional, and spatial information, amino acid conservation, physicochemical variation, residue mobility, and thermodynamic stability) indicates that this missense variant is not expected to disrupt AP5Z1 protein function with a negative predictive value of 80%. In summary, the available evidence is currently insufficient to determine the role of this variant in disease. Therefore, it has been classified as a Variant of Uncertain Significance.

GeneDx
Classification: Uncertain significance. Last evaluated: 2019-09-24. Review status: criteria provided, single submitter. Criteria: GeneDx Variant Classification Process June 2021. Collection method: clinical testing. Allele origin: germline. Affected: yes.
Comment: Not observed at a significant frequency in large population cohorts (Lek et al., 2016); In silico analysis, which includes protein predictors and evolutionary conservation, supports that this variant does not alter protein structure/function; Has not been previously published as pathogenic or benign to our knowledge

NM_014855.3(AP5Z1):c.556T>C (p.Tyr186His)

Gene: AP5Z1 (adaptor related protein complex 5 subunit zeta 1; plus strand). Cytogenetic location: 7p22.1.
Variant type: single nucleotide variant.
Coding change: c.556T>C on transcript NM_014855.3 (MANE Select); coding-DNA position 556, T replaced by C.
Protein change: p.Tyr186His; replaces tyrosine 186 with histidine.
Molecular consequence: missense variant. On other transcripts: non-coding transcript variant (1).
Genome position (GRCh38, 1-based): chr7:4,783,733, T>C. VCF-style: chr7-4783733-T-C. GRCh37 (hg19) VCF-style: chr7-4823364-T-C.
Other names: c.88T>C, p.Tyr30His (NM_001364858.1); short protein forms Y186H, Y30H.
Identifiers: ClinVar variation 1312391 (VCV001312391.7), dbSNP rs1000589136, ClinGen allele CA153020364.